The following is an entry in ClinVar:

ClinVar aggregate classification (germline): Uncertain significance. Review status: criteria provided, multiple submitters, no conflicts (2 of 4 stars). 2 submissions from 2 submitters: Uncertain significance (2). Last evaluated 2025-06-12.

Conditions:
Inborn genetic diseases. Identifiers: MedGen C0950123, MeSH D030342.

Allele frequency attached by ClinVar (database versions not stated): gnomAD exomes below 0.00001; ExAC 0.00001; TOPMed 0.00001; ESP Exome Variant Server 0.00008.
gnomAD v4.1: 3 of 1,614,170 alleles (0.00019%); highest among the groups gnomAD compares: African/African-American, 0.004%; no homozygotes.

Submissions (2):

Labcorp Genetics (formerly Invitae), Labcorp
Classification: Uncertain significance. Last evaluated: 2025-06-12. Review status: criteria provided, single submitter. Criteria: Invitae Variant Classification Sherloc (09022015). Collection method: clinical testing. Allele origin: germline.
Comment: This sequence change replaces isoleucine, which is neutral and non-polar, with valine, which is neutral and non-polar, at codon 120 of the FOXC2 protein (p.Ile120Val). This variant is not present in population databases (gnomAD no frequency). This variant has not been reported in the literature in individuals affected with FOXC2-related conditions. ClinVar contains an entry for this variant (Variation ID: 2168968). An algorithm developed to predict the effect of missense changes on protein structure and function (PolyPhen-2) suggests that this variant is likely to be disruptive. In summary, the available evidence is currently insufficient to determine the role of this variant in disease. Therefore, it has been classified as a Variant of Uncertain Significance.

Ambry Genetics
Classification: Uncertain significance for Inborn genetic diseases. Last evaluated: 2025-06-03. Review status: criteria provided, single submitter. Criteria: Ambry Variant Classification Scheme 2023. Collection method: clinical testing. Allele origin: germline.

NM_005251.3(FOXC2):c.358A>G (p.Ile120Val)

Genes: FOXC2 (forkhead box C2; plus strand), FOXC2-AS1 (FOXC2 antisense RNA 1; minus strand). Cytogenetic location: 16q24.1.
Variant type: single nucleotide variant.
Coding change: c.358A>G on transcript NM_005251.3 (MANE Select); coding-DNA position 358, A replaced by G.
Protein change: p.Ile120Val; replaces isoleucine 120 with valine.
Molecular consequence: missense variant. On other transcripts: non-coding transcript variant (1).
Genome position (GRCh38, 1-based): chr16:86,567,693, A>G. VCF-style: chr16-86567693-A-G. GRCh37 (hg19) VCF-style: chr16-86601299-A-G.
Other names: c.358A>G (NM_005251.2); short protein forms I120V.
Identifiers: ClinVar variation 2168968 (VCV002168968.5), dbSNP rs375500879, ClinGen allele CA8218311.